The following is an entry in ClinVar:

NM_000372.5(TYR):c.820-3C>G

Gene: TYR (tyrosinase; plus strand). Cytogenetic location: 11q14.3.
Variant type: single nucleotide variant.
Coding change: c.820-3C>G on transcript NM_000372.5 (MANE Select); 3 bases into the intron before coding-DNA position 820, C replaced by G.
Molecular consequence: intron variant.
Genome position (GRCh38, 1-based): chr11:89,191,199, C>G. VCF-style: chr11-89191199-C-G. GRCh37 (hg19) VCF-style: chr11-88924367-C-G.
Identifiers: ClinVar variation 99582 (VCV000099582.17), dbSNP rs61754371, ClinGen allele CA227590.

ClinVar aggregate classification (germline): Pathogenic/Likely pathogenic. Review status: criteria provided, multiple submitters, no conflicts (2 of 4 stars). 8 submissions from 8 submitters: Pathogenic (6); Likely pathogenic (1). 1 of the submissions does not count toward it. Last evaluated 2026-02-09.

Conditions:
SKIN/HAIR/EYE PIGMENTATION 3, LIGHT/DARK SKIN (SHEP3). Also called: SKIN/HAIR/EYE PIGMENTATION 3, BLUE/GREEN EYE COLOR; SKIN/HAIR/EYE PIGMENTATION 3, FRECKLING; SKIN/HAIR/EYE PIGMENTATION, VARIATION IN, 3; EYE COLOR 1; EYE COLOR, GREEN/BLUE. Identifiers: MedGen C2677190, OMIM 601800.
Oculocutaneous albinism type 1B (OCA1B). Also called: YELLOW ALBINISM; ALBINISM, OCULOCUTANEOUS, TYPE IB; ALBINISM, YELLOW MUTANT TYPE. Identifiers: Orphanet 352731, Orphanet 352737, Orphanet 79434, MedGen C1847024, MONDO:0011749, OMIM 606952.
Oculocutaneous albinism type 1A (OCA1A). Also called: Albinism, oculocutaneous, type IA. Identifiers: Orphanet 352731, Orphanet 79431, MedGen C4551504, MONDO:0008745, OMIM 203100. Disease mechanism: loss of function.
Oculocutaneous albinism type 1. Also called: Albinism 1; ALBINISM I. Identifiers: Orphanet 352731, MedGen C0268494, MONDO:0018135. Disease mechanism: loss of function.

Allele frequency attached by ClinVar (database versions not stated): ExAC 0.00001; TOPMed 0.00001.
gnomAD v4.1: 3 of 1,613,230 alleles (0.00019%); highest among the groups gnomAD compares: East Asian, 0.0045%; no homozygotes.

Submissions (8):

Myriad Genetics, Inc.
Classification: Pathogenic for Oculocutaneous albinism type 1. Last evaluated: 2026-02-09. Review status: criteria provided, single submitter. Criteria: Myriad Autosomal Dominant, Autosomal Recessive and X-Linked Classification Criteria (2023). Collection method: clinical testing. Allele origin: unknown.
Comment: NM_000372.4(TYR):c.820-3C>G is an intronic variant classified as pathogenic in the context of oculocutaneous albinism, TYR-related. c.820-3C>G has been observed in cases with relevant disease (PMID: 16570240, 13680365, 31077556, 34838614, 19865097). Relevant functional assessments of this variant are not available in the literature. c.820-3C>G has been observed in referenced population frequency databases. In summary, NM_000372.4(TYR):c.820-3C>G is an intronic variant that has been observed more frequently in cases with the relevant disease than in healthy populations. Please note: this variant was assessed in the context of healthy population screening.

Labcorp Genetics (formerly Invitae), Labcorp
Classification: Pathogenic. Last evaluated: 2024-12-26. Review status: criteria provided, single submitter. Criteria: Invitae Variant Classification Sherloc (09022015). Collection method: clinical testing. Allele origin: germline.
Comment: This sequence change falls in intron 1 of the TYR gene. It does not directly change the encoded amino acid sequence of the TYR protein. It affects a nucleotide within the consensus splice site. The frequency data for this variant in the population databases is considered unreliable, as metrics indicate poor data quality at this position in the gnomAD database. This variant has been observed in individual(s) with ocular albinism (PMID: 13680365, 31077556). In at least one individual the data is consistent with being in trans (on the opposite chromosome) from a pathogenic variant. This variant is also known as IVS1-3C>G. ClinVar contains an entry for this variant (Variation ID: 99582). Variants that disrupt the consensus splice site are a relatively common cause of aberrant splicing (PMID: 17576681, 9536098). Algorithms developed to predict the effect of sequence changes on RNA splicing suggest that this variant may disrupt the consensus splice site. For these reasons, this variant has been classified as Pathogenic.

Fulgent Genetics
Classification: Pathogenic for Oculocutaneous albinism type 1A; SKIN/HAIR/EYE PIGMENTATION 3, LIGHT/DARK SKIN; Oculocutaneous albinism type 1B. Last evaluated: 2024-02-14. Review status: criteria provided, single submitter. Criteria: ACMG Guidelines, 2015. Collection method: clinical testing. Allele origin: germline.

Baylor Genetics
Classification: Pathogenic for SKIN/HAIR/EYE PIGMENTATION 3, LIGHT/DARK SKIN. Last evaluated: 2023-09-24. Review status: criteria provided, single submitter. Criteria: ACMG Guidelines, 2015. Collection method: clinical testing. Allele origin: unknown.

Genome-Nilou Lab
Classification: Likely pathogenic for Oculocutaneous albinism type 1A. Last evaluated: 2021-07-22. Review status: criteria provided, single submitter. Criteria: ACMG Guidelines, 2015. Collection method: clinical testing. Allele origin: germline. Affected: no.

Genetic Services Laboratory, University of Chicago
Classification: Pathogenic for Albinism, oculocutaneous, type IA. Last evaluated: 2015-04-20. Review status: criteria provided, single submitter. Criteria: ACMG Guidelines, 2015. Collection method: clinical testing. Allele origin: germline. Affected: yes.

Juno Genomics, Hangzhou Juno Genomics, Inc
Classification: Pathogenic for SKIN/HAIR/EYE PIGMENTATION 3, LIGHT/DARK SKIN; Oculocutaneous albinism type 1A; Oculocutaneous albinism type 1B. Review status: criteria provided, single submitter. Criteria: ACMG Guidelines, 2015. Collection method: clinical testing. Allele origin: germline.
Comment: Absent from controls (or at extremely low frequency if recessive) in Genome Aggregation Database.;For recessive disorders, detected in trans with a pathogenic variant.;Patient's phenotype or family history is highly specific for a disease with a single genetic etiology.

Retina International
No classification provided. Review status: no classification provided. Collection method: not provided. Allele origin: unknown. Not counted in ClinVar's aggregate classification.

Literature cited by the submitters: PubMed 13680365 (cited by Myriad Genetics, Inc. and Labcorp Genetics (formerly Invitae), Labcorp); PubMed 16570240 (cited by Myriad Genetics, Inc.); PubMed 19865097 (cited by Myriad Genetics, Inc.); PubMed 31077556 (cited by Myriad Genetics, Inc. and Labcorp Genetics (formerly Invitae), Labcorp); PubMed 34838614 (cited by Myriad Genetics, Inc.); PubMed 17576681 (cited by Labcorp Genetics (formerly Invitae), Labcorp); PubMed 9536098 (cited by Labcorp Genetics (formerly Invitae), Labcorp).